The following is an entry in ClinVar:

ClinVar aggregate classification (germline): Uncertain significance (1 of 4 stars; one submission).

Conditions:
Long QT syndrome (LQTS). Identifiers: MedGen C0023976, MeSH D008133, MONDO:0002442. Disease mechanism: loss of function. Inheritance: Various modes of inheritance.

Submission:

Labcorp Genetics (formerly Invitae), Labcorp
Classification: Uncertain significance for Long QT syndrome. Last evaluated: 2023-02-03. Review status: criteria provided, single submitter. Criteria: Invitae Variant Classification Sherloc (09022015). Collection method: clinical testing. Allele origin: germline.
Comment: Algorithms developed to predict the effect of missense changes on protein structure and function (SIFT, PolyPhen-2, Align-GVGD) all suggest that this variant is likely to be disruptive. In summary, the available evidence is currently insufficient to determine the role of this variant in disease. Therefore, it has been classified as a Variant of Uncertain Significance. This variant has not been reported in the literature in individuals affected with CACNA1C-related conditions. This sequence change replaces isoleucine, which is neutral and non-polar, with threonine, which is neutral and polar, at codon 1457 of the CACNA1C protein (p.Ile1457Thr). This variant is not present in population databases (gnomAD no frequency).

NM_000719.7(CACNA1C):c.4370T>C (p.Ile1457Thr)

Gene: CACNA1C (calcium voltage-gated channel subunit alpha1 C; plus strand). Cytogenetic location: 12p13.33.
Variant type: single nucleotide variant.
Coding change: c.4370T>C on transcript NM_000719.7 (MANE Select); coding-DNA position 4370, T replaced by C.
Protein change: p.Ile1457Thr; replaces isoleucine 1457 with threonine.
Molecular consequence: missense variant.
Genome position (GRCh38, 1-based): chr12:2,664,962, T>C. VCF-style: chr12-2664962-T-C. GRCh37 (hg19) VCF-style: chr12-2774128-T-C.
Other names: c.4514T>C, p.Ile1505Thr (NM_001129827.2, NM_199460.4); c.4436T>C, p.Ile1479Thr (NM_001129829.2); c.4370T>C, p.Ile1457Thr (NM_001129830.3, NM_001129842.2, NM_001129843.2 and 7 more transcripts); c.4454T>C, p.Ile1485Thr (NM_001129831.2); c.4430T>C, p.Ile1477Thr (NM_001129832.2); c.4361T>C, p.Ile1454Thr (NM_001129844.2); c.4337T>C, p.Ile1446Thr (NM_001129846.2, NM_001167625.2, NM_001129837.2 and 1 more transcripts); c.4421T>C, p.Ile1474Thr (NM_001129836.2); and 1 more; short protein forms I1474T, I1479T, I1485T, I1446T, I1457T, I1444T, I1454T, I1477T.
Identifiers: ClinVar variation 2823227 (VCV002823227.3), dbSNP rs2529642815, ClinGen allele CA383376012.